The following is an entry in ClinVar:

ClinVar aggregate classification (germline): Uncertain significance (1 of 4 stars; one submission).

Conditions:
Hereditary cancer-predisposing syndrome. Also called: Neoplastic Syndromes, Hereditary; Tumor predisposition; Hereditary Cancer Syndrome; Hereditary neoplastic syndrome. Identifiers: Orphanet 140162, MedGen C0027672, MeSH D009386, MONDO:0015356.

Allele frequency attached by ClinVar (database versions not stated): gnomAD exomes below 0.00001.
gnomAD v4.1: 2 of 1,613,574 alleles (0.00012%); highest among the groups gnomAD compares: Non-Finnish European, 0.00017%; no homozygotes.

Submission:

Ambry Genetics
Classification: Uncertain significance for Hereditary cancer-predisposing syndrome. Last evaluated: 2021-11-01. Review status: criteria provided, single submitter. Criteria: Ambry Variant Classification Scheme 2023. Collection method: clinical testing. Allele origin: germline.
Comment: The p.I418L variant (also known as c.1252A>C), located in coding exon 11 of the MRE11A gene, results from an A to C substitution at nucleotide position 1252. The isoleucine at codon 418 is replaced by leucine, an amino acid with highly similar properties. This amino acid position is conserved. In addition, this alteration is predicted to be tolerated by in silico analysis. Since supporting evidence is limited at this time, the clinical significance of this alteration remains unclear.

NM_005591.4(MRE11):c.1252A>C (p.Ile418Leu)

Gene: MRE11 (MRE11 double strand break repair nuclease; minus strand). Cytogenetic location: 11q21.
Variant type: single nucleotide variant.
Coding change: c.1252A>C on transcript NM_005591.4 (MANE Select); coding-DNA position 1252, A replaced by C.
Protein change: p.Ile418Leu; replaces isoleucine 418 with leucine.
Molecular consequence: missense variant.
Genome position (GRCh38, 1-based): chr11:94,461,010, T>G on the plus strand (A>C on the coding strand, the complement: MRE11 is on the minus strand). VCF-style: chr11-94461010-T-G. GRCh37 (hg19) VCF-style: chr11-94194176-T-G.
Other names: c.1252A>C, p.Ile418Leu (NM_001330347.2, NM_005590.4); short protein forms I418L.
Identifiers: ClinVar variation 1799800 (VCV001799800.2), dbSNP rs1166062956, ClinGen allele CA382372424.